The following is an entry in ClinVar:

NM_203447.4(DOCK8):c.5599T>A (p.Phe1867Ile)

Gene: DOCK8 (dedicator of cytokinesis 8; plus strand). Cytogenetic location: 9p24.3.
Variant type: single nucleotide variant.
Coding change: c.5599T>A on transcript NM_203447.4 (MANE Select); coding-DNA position 5599, T replaced by A.
Protein change: p.Phe1867Ile; replaces phenylalanine 1867 with isoleucine.
Molecular consequence: missense variant.
Genome position (GRCh38, 1-based): chr9:446,388, T>A. VCF-style: chr9-446388-T-A. GRCh37 (hg19) VCF-style: chr9-446388-T-A.
Other names: c.5299T>A, p.Phe1767Ile (NM_001190458.2); c.5395T>A, p.Phe1799Ile (NM_001193536.2); short protein forms F1867I, F1767I, F1799I.
Identifiers: ClinVar variation 950377 (VCV000950377.10), dbSNP rs2057261273, ClinGen allele CA372768802.

ClinVar aggregate classification (germline): Uncertain significance (1 of 4 stars; one submission).

Conditions:
Combined immunodeficiency due to DOCK8 deficiency (HIES2). Also called: HIES autosomal recessive; Hyper-IgE recurrent infection syndrome, autosomal recessive; HYPER-IgE SYNDROME 2, AUTOSOMAL RECESSIVE, WITH RECURRENT INFECTIONS; DOCK8 Deficiency; HYPER-IgE RECURRENT INFECTION SYNDROME 2, AUTOSOMAL RECESSIVE. Identifiers: Orphanet 217390, MedGen C4722305, MONDO:0009478, OMIM 243700.

Submission:

Labcorp Genetics (formerly Invitae), Labcorp
Classification: Uncertain significance for Combined immunodeficiency due to DOCK8 deficiency. Last evaluated: 2022-06-04. Review status: criteria provided, single submitter. Criteria: Invitae Variant Classification Sherloc (09022015). Collection method: clinical testing. Allele origin: germline.
Comment: In summary, the available evidence is currently insufficient to determine the role of this variant in disease. Therefore, it has been classified as a Variant of Uncertain Significance. Algorithms developed to predict the effect of missense changes on protein structure and function are either unavailable or do not agree on the potential impact of this missense change (SIFT: "Deleterious"; PolyPhen-2: "Possibly Damaging"; Align-GVGD: "Class C0"). ClinVar contains an entry for this variant (Variation ID: 950377). This variant has not been reported in the literature in individuals affected with DOCK8-related conditions. This variant is not present in population databases (gnomAD no frequency). This sequence change replaces phenylalanine, which is neutral and non-polar, with isoleucine, which is neutral and non-polar, at codon 1867 of the DOCK8 protein (p.Phe1867Ile).